The following is an entry in ClinVar:

ClinVar aggregate classification (germline): Uncertain significance. Review status: criteria provided, multiple submitters, no conflicts (2 of 4 stars). 3 submissions from 3 submitters: Uncertain significance (3). Last evaluated 2025-08-14.

Conditions:
Hereditary cancer-predisposing syndrome. Also called: Neoplastic Syndromes, Hereditary; Tumor predisposition; Hereditary Cancer Syndrome; Hereditary neoplastic syndrome. Identifiers: Orphanet 140162, MedGen C0027672, MeSH D009386, MONDO:0015356.
Familial adenomatous polyposis 2. Also called: Adenomas, multiple colorectal; COLORECTAL ADENOMATOUS POLYPOSIS, AUTOSOMAL RECESSIVE; ADENOMAS, MULTIPLE COLORECTAL, AUTOSOMAL RECESSIVE; MYH-associated polyposis; MUTYH Polyposis; FAP type 2. Identifiers: Orphanet 220460, Orphanet 247798, MedGen C3272841, MONDO:0012041, OMIM 608456.

gnomAD v4.1: 1 of 1,614,106 alleles (0.000062%); no homozygotes.

Submissions (3):

Ambry Genetics
Classification: Uncertain significance for Hereditary cancer-predisposing syndrome. Last evaluated: 2025-08-14. Review status: criteria provided, single submitter. Criteria: Ambry Variant Classification Scheme 2023. Collection method: clinical testing. Allele origin: germline.
Comment: The p.R203G variant (also known as c.607C>G), located in coding exon 8 of the MUTYH gene, results from a C to G substitution at nucleotide position 607. The arginine at codon 203 is replaced by glycine, an amino acid with dissimilar properties. In a massively parallel cell-based functional assay testing 7,8-dihydro-8-oxoguanine:adenine (8OG:A) repair activity, a byproduct of oxidative damage, this variant was reported to be functional (Hemker SL et al. Am J Hum Genet. 2025 Sep;112(9):2010-2026). This amino acid position is not well conserved in available vertebrate species. In addition, the in silico prediction for this alteration is inconclusive. Based on the available evidence, the clinical significance of this variant remains unclear.

Labcorp Genetics (formerly Invitae), Labcorp
Classification: Uncertain significance for Familial adenomatous polyposis 2. Last evaluated: 2025-05-13. Review status: criteria provided, single submitter. Criteria: Invitae Variant Classification Sherloc (09022015). Collection method: clinical testing. Allele origin: germline.
Comment: This sequence change replaces arginine, which is basic and polar, with glycine, which is neutral and non-polar, at codon 203 of the MUTYH protein (p.Arg203Gly). This variant is not present in population databases (gnomAD no frequency). This variant has not been reported in the literature in individuals affected with MUTYH-related conditions. ClinVar contains an entry for this variant (Variation ID: 187351). An algorithm developed to predict the effect of missense changes on protein structure and function (PolyPhen-2) suggests that this variant is likely to be tolerated. Algorithms developed to predict the effect of sequence changes on RNA splicing suggest that this variant may disrupt the consensus splice site. In summary, the available evidence is currently insufficient to determine the role of this variant in disease. Therefore, it has been classified as a Variant of Uncertain Significance.

Quest Diagnostics Nichols Institute San Juan Capistrano
Classification: Uncertain significance. Last evaluated: 2024-03-28. Review status: criteria provided, single submitter. Criteria: Quest Diagnostics criteria. Collection method: clinical testing. Allele origin: unknown.
Comment: The MUTYH c.607C>G (p.Arg203Gly) variant has not been reported in individuals with MUTYH-related conditions in the published literature. It also has not been reported in large, multi-ethnic general populations (Genome Aggregation Database). Additional analysis using software algorithms for the prediction of the effect of nucleotide changes on MUTYH mRNA splicing yielded predictions that this variant may result in the gain of a cryptic splice site without affecting the natural splice sites (Alamut Visual). Analysis of this variant using bioinformatics tools for the prediction of the effect of amino acid changes on protein structure and function yielded predictions that this variant is benign. Based on the available information, we are unable to determine the clinical significance of this variant.

NM_001048174.2(MUTYH):c.523C>G (p.Arg175Gly)

Gene: MUTYH (mutY DNA glycosylase; minus strand). Cytogenetic location: 1p34.1.
Variant type: single nucleotide variant.
Coding change: c.523C>G on transcript NM_001048174.2 (MANE Select); coding-DNA position 523, C replaced by G.
Protein change: p.Arg175Gly; replaces arginine 175 with glycine.
Molecular consequence: missense variant. On other transcripts: non-coding transcript variant (2).
Genome position (GRCh38, 1-based): chr1:45,332,657, G>C on the plus strand (C>G on the coding strand, the complement: MUTYH is on the minus strand). VCF-style: chr1-45332657-G-C. GRCh37 (hg19) VCF-style: chr1-45798329-G-C.
Other names: c.523C>G, p.Arg175Gly (NM_001048171.2, NM_001048173.2, NM_001293195.2); c.526C>G, p.Arg176Gly (NM_001048172.2); c.607C>G, p.Arg203Gly (NM_001128425.2); c.568C>G, p.Arg190Gly (NM_001293190.2); c.556C>G, p.Arg186Gly (NM_001293191.2); c.247C>G, p.Arg83Gly (NM_001293192.2, NM_001293196.2); c.178C>G, p.Arg60Gly (NM_001350650.2, NM_001350651.2); c.598C>G, p.Arg200Gly (NM_012222.3); short protein forms R203G, R186G, R190G, R200G, R83G, R175G, R176G, R60G.
Identifiers: ClinVar variation 187351 (VCV000187351.15), dbSNP rs587780748, ClinGen allele CA013955.